The following is an entry in ClinVar:

ClinVar aggregate classification (germline): Pathogenic (1 of 4 stars; one submission).

Conditions:
Neurofibromatosis, type 1 (NF1). Also called: VON RECKLINGHAUSEN DISEASE; NEUROFIBROMATOSIS, TYPE I, SOMATIC; Peripheral type neurofibromatosis; Neurofibromatosis, type I. Identifiers: Orphanet 636, MedGen C0027831, MONDO:0018975, OMIM 162200. Disease mechanism: loss of function.

Submission:

Labcorp Genetics (formerly Invitae), Labcorp
Classification: Pathogenic for Neurofibromatosis, type 1. Last evaluated: 2024-06-11. Review status: criteria provided, single submitter. Criteria: Invitae Variant Classification Sherloc (09022015). Collection method: clinical testing. Allele origin: germline.
Comment: This sequence change creates a premature translational stop signal (p.Glu1333Argfs*10) in the NF1 gene. It is expected to result in an absent or disrupted protein product. Loss-of-function variants in NF1 are known to be pathogenic (PMID: 10712197, 23913538). This variant is not present in population databases (gnomAD no frequency). This premature translational stop signal has been observed in individual(s) with NF1-related conditions (PMID: 26740943). For these reasons, this variant has been classified as Pathogenic.

Literature cited by the submitters: PubMed 10712197; PubMed 23913538; PubMed 26740943.

NM_001042492.3(NF1):c.3996del (p.Glu1333fs)

Gene: NF1 (neurofibromin 1; plus strand). Cytogenetic location: 17q11.2.
Variant type: Deletion.
Coding change: c.3996del on transcript NM_001042492.3 (MANE Select); coding-DNA position 3996, one base deleted (T; older notation c.3996delT).
Protein change: p.Glu1333fs; shifts the reading frame from glutamic acid 1333.
Molecular consequence: frameshift variant.
Genome position (GRCh38, 1-based): chr17:31,249,005, T deleted; the last of 2 consecutive T bases (chr17:31,249,004-31,249,005); deleting either gives the same sequence. VCF-style (leftmost placement, unchanged base first): chr17-31249003-CT-C. GRCh37 (hg19) VCF-style: chr17-29576021-CT-C.
Other names: c.3996delT, p.Glu1333Argfs (NM_000267.4); short protein forms E1333fs.
Identifiers: ClinVar variation 3722667 (VCV003722667.2).